The following is an entry in ClinVar:

NM_001040151.2(SCN3B):c.354C>G (p.Tyr118Ter)

Gene: SCN3B (sodium voltage-gated channel beta subunit 3; minus strand). Cytogenetic location: 11q24.1.
Variant type: single nucleotide variant.
Coding change: c.354C>G on transcript NM_001040151.2 (MANE Select); coding-DNA position 354, C replaced by G.
Protein change: p.Tyr118Ter; replaces tyrosine 118 with a stop codon.
Molecular consequence: nonsense.
Genome position (GRCh38, 1-based): chr11:123,642,537, G>C on the plus strand (C>G on the coding strand, the complement: SCN3B is on the minus strand). VCF-style: chr11-123642537-G-C. GRCh37 (hg19) VCF-style: chr11-123513245-G-C.
Other names: c.354C>G, p.Tyr118Ter (NM_018400.4); short protein forms Y118*.
Identifiers: ClinVar variation 1732561 (VCV001732561.2), dbSNP rs1754321671, ClinGen allele CA383071562.
Genomic context (GRCh38, chr11:123,642,537, plus strand): 5'-CGTCGTCTTCACAAAGGGCCGATGCGCCTCAAACTCAAACTCCCGGGACACATTGCAGGT[G>C]TAGAGGCCAGAGTCGTTCAGAGTGACGTTGAGCACAGTGATGGACACGTCCTGCAGGTCC-3'

ClinVar aggregate classification (germline): Uncertain significance (1 of 4 stars; one submission).

Conditions:
Cardiovascular phenotype. Identifiers: MedGen CN230736.

Submission:

Ambry Genetics
Classification: Uncertain significance for Cardiovascular phenotype. Last evaluated: 2020-04-10. Review status: criteria provided, single submitter. Criteria: Ambry Variant Classification Scheme 2023. Collection method: clinical testing. Allele origin: germline.
Comment: The p.Y118* variant (also known as c.354C>G), located in coding exon 3 of the SCN3B gene, results from a C to G substitution at nucleotide position 354. This changes the amino acid from a tyrosine to a stop codon within coding exon 3. This alteration is expected to result in premature protein truncation or nonsense-mediated mRNA decay. However, loss of function of SCN3B has not been clearly established as a mechanism of disease. Since supporting evidence is limited at this time, the clinical significance of this alteration remains unclear.